The following is an entry in ClinVar:

ClinVar aggregate classification (germline): Uncertain significance (1 of 4 stars; one submission).

Conditions:
Hereditary cancer-predisposing syndrome. Also called: Neoplastic Syndromes, Hereditary; Tumor predisposition; Hereditary Cancer Syndrome; Hereditary neoplastic syndrome. Identifiers: Orphanet 140162, MedGen C0027672, MeSH D009386, MONDO:0015356.

Submission:

Ambry Genetics
Classification: Uncertain significance for Hereditary cancer-predisposing syndrome. Last evaluated: 2020-10-29. Review status: criteria provided, single submitter. Criteria: Ambry Variant Classification Scheme 2023. Collection method: clinical testing. Allele origin: germline.
Comment: The p.R21L variant (also known as c.62G>T), located in coding exon 1 of the BARD1 gene, results from a G to T substitution at nucleotide position 62. The arginine at codon 21 is replaced by leucine, an amino acid with dissimilar properties. This amino acid position is not well conserved in available vertebrate species. In addition, this alteration is predicted to be tolerated by in silico analysis. Since supporting evidence is limited at this time, the clinical significance of this alteration remains unclear.

NM_000465.4(BARD1):c.62G>T (p.Arg21Leu)

Gene: BARD1 (BRCA1 associated RING domain 1; minus strand). Cytogenetic location: 2q35.
Variant type: single nucleotide variant.
Coding change: c.62G>T on transcript NM_000465.4 (MANE Select); coding-DNA position 62, G replaced by T.
Protein change: p.Arg21Leu; replaces arginine 21 with leucine.
Molecular consequence: missense variant. On other transcripts: non-coding transcript variant (3).
Genome position (GRCh38, 1-based): chr2:214,809,508, C>A on the plus strand (G>T on the coding strand, the complement: BARD1 is on the minus strand). VCF-style: chr2-214809508-C-A. GRCh37 (hg19) VCF-style: chr2-215674232-C-A.
Other names: c.62G>T, p.Arg21Leu (NM_001282543.2, NM_001282545.2, NM_001282548.2 and 1 more transcripts); short protein forms R21L.
Identifiers: ClinVar variation 1752724 (VCV001752724.2), dbSNP rs1696468454, ClinGen allele CA350465210.